The following is an entry in ClinVar:

ClinVar aggregate classification (germline): Uncertain significance. Review status: criteria provided, multiple submitters, no conflicts (2 of 4 stars). 2 submissions from 2 submitters: Uncertain significance (2). Last evaluated 2023-08-21.

Conditions:
Inborn genetic diseases. Identifiers: MedGen C0950123, MeSH D030342.

Allele frequency attached by ClinVar (database versions not stated): gnomAD 0.00005; TOPMed 0.00006; ExAC 0.00007; ESP Exome Variant Server 0.00008; gnomAD exomes 0.00008.
gnomAD v4.1: 118 of 1,614,110 alleles (0.0073%); highest among the groups gnomAD compares: Middle Eastern, 0.016%; no homozygotes.

Submissions (2):

Ambry Genetics
Classification: Uncertain significance for Inborn genetic diseases. Last evaluated: 2023-08-21. Review status: criteria provided, single submitter. Criteria: Ambry Variant Classification Scheme 2023. Collection method: clinical testing. Allele origin: germline.

Labcorp Genetics (formerly Invitae), Labcorp
Classification: Uncertain significance. Last evaluated: 2022-11-01. Review status: criteria provided, single submitter. Criteria: Invitae Variant Classification Sherloc (09022015). Collection method: clinical testing. Allele origin: germline.
Comment: This sequence change replaces histidine, which is basic and polar, with arginine, which is basic and polar, at codon 589 of the FNIP1 protein (p.His589Arg). This variant is present in population databases (rs373270669, gnomAD 0.01%). This variant has not been reported in the literature in individuals affected with FNIP1-related conditions. Algorithms developed to predict the effect of missense changes on protein structure and function are either unavailable or do not agree on the potential impact of this missense change (SIFT: "Tolerated"; PolyPhen-2: "Probably Damaging"; Align-GVGD: "Class C0"). In summary, the available evidence is currently insufficient to determine the role of this variant in disease. Therefore, it has been classified as a Variant of Uncertain Significance.

NM_133372.3(FNIP1):c.1766A>G (p.His589Arg)

Gene: FNIP1 (folliculin interacting protein 1; minus strand). Cytogenetic location: 5q31.1.
Variant type: single nucleotide variant.
Coding change: c.1766A>G on transcript NM_133372.3 (MANE Select); coding-DNA position 1766, A replaced by G.
Protein change: p.His589Arg; replaces histidine 589 with arginine.
Molecular consequence: missense variant.
Genome position (GRCh38, 1-based): chr5:131,672,678, T>C on the plus strand (A>G on the coding strand, the complement: FNIP1 is on the minus strand). VCF-style: chr5-131672678-T-C. GRCh37 (hg19) VCF-style: chr5-131008371-T-C.
Other names: c.1682A>G, p.His561Arg (NM_001008738.3); c.1631A>G, p.His544Arg (NM_001346114.2); c.1766A>G (NM_133372.2); short protein forms H544R, H589R, H561R.
Identifiers: ClinVar variation 2159045 (VCV002159045.3), dbSNP rs373270669, ClinGen allele CA3400612.